The following is an entry in ClinVar:

NM_001127644.2(GABRA1):c.809T>C (p.Val270Ala)

Gene: GABRA1 (gamma-aminobutyric acid type A receptor subunit alpha1; plus strand). Cytogenetic location: 5q34.
Variant type: single nucleotide variant.
Coding change: c.809T>C on transcript NM_001127644.2 (MANE Select); coding-DNA position 809, T replaced by C.
Protein change: p.Val270Ala; replaces valine 270 with alanine.
Molecular consequence: missense variant.
Genome position (GRCh38, 1-based): chr5:161,891,003, T>C. VCF-style: chr5-161891003-T-C. GRCh37 (hg19) VCF-style: chr5-161318009-T-C.
Other names: c.809T>C, p.Val270Ala (NM_000806.5, NM_001127643.2, NM_001127645.2 and 1 more transcripts); short protein forms V270A.
Identifiers: ClinVar variation 985886 (VCV000985886.5), dbSNP rs1755063375, ClinGen allele CA362179948.
Genomic context (GRCh38, chr5:161,891,003, plus strand): 5'-TTGGCTACTTTGTTATTCAAACATACCTGCCATGCATAATGACAGTGATTCTCTCACAAG[T>C]CTCCTTCTGGCTCAACAGAGAGTCTGTACCAGCAAGAACTGTCTTTGGTAAGTCCCAATC-3'
Protein context (NP_001121116.1, residues 260-280): PCIMTVILSQ[Val270Ala]SFWLNRESVP

ClinVar aggregate classification (germline): Conflicting classifications of pathogenicity. Review status: criteria provided, conflicting classifications (1 of 4 stars). 3 submissions from 3 submitters: Pathogenic (2); Uncertain significance (1). Last evaluated 2025-04-23.

Conditions:
Developmental and epileptic encephalopathy, 19 (DEE19). Also called: Epileptic encephalopathy, early infantile, 19. Identifiers: Orphanet 33069, MedGen C3810400, MONDO:0014328, OMIM 615744.
Inborn genetic diseases. Identifiers: MedGen C0950123, MeSH D030342.
Epilepsy, childhood absence 4 (ECA4). Also called: EPILEPSY, CHILDHOOD ABSENCE, SUSCEPTIBILITY TO, 4. Identifiers: Orphanet 307, MedGen C1970160.
Epilepsy, idiopathic generalized, susceptibility to, 13. Also called: EPILEPSY, JUVENILE MYOCLONIC, SUSCEPTIBILITY TO, 5. Identifiers: Orphanet 307, Orphanet 64280, MedGen C4013473, MONDO:0012627, OMIM 611136.
Idiopathic generalized epilepsy. Also called: Generalised epilepsy; EIG. Identifiers: MedGen C0270850, MONDO:0005579, OMIM 600669.

Submissions (3):

Labcorp Genetics (formerly Invitae), Labcorp
Classification: Pathogenic for Epilepsy, childhood absence 4; Epilepsy, idiopathic generalized, susceptibility to, 13; Idiopathic generalized epilepsy. Last evaluated: 2025-04-23. Review status: criteria provided, single submitter. Criteria: Invitae Variant Classification Sherloc (09022015). Collection method: clinical testing. Allele origin: germline.
Comment: This sequence change replaces valine, which is neutral and non-polar, with alanine, which is neutral and non-polar, at codon 270 of the GABRA1 protein (p.Val270Ala). This variant is not present in population databases (gnomAD no frequency). This missense change has been observed in individual(s) with clinical features of developmental and epileptic encephalopathy (PMID: 35937053, 37606373). In at least one individual the variant was observed to be de novo. ClinVar contains an entry for this variant (Variation ID: 985886). Invitae Evidence Modeling of protein sequence and biophysical properties (such as structural, functional, and spatial information, amino acid conservation, physicochemical variation, residue mobility, and thermodynamic stability) indicates that this missense variant is expected to disrupt GABRA1 protein function with a positive predictive value of 80%. Experimental studies have shown that this missense change affects GABRA1 function (PMID: 37606373). For these reasons, this variant has been classified as Pathogenic.

Ambry Genetics
Classification: Pathogenic for Inborn genetic diseases. Last evaluated: 2024-10-31. Review status: criteria provided, single submitter. Criteria: Ambry Variant Classification Scheme 2023. Collection method: clinical testing. Allele origin: germline.
Comment: The c.809T>C (p.V270A) alteration is located in exon 9 (coding exon 7) of the GABRA1 gene. This alteration results from a T to C substitution at nucleotide position 809, causing the valine (V) at amino acid position 270 to be replaced by an alanine (A). This variant was not reported in population-based cohorts in the Genome Aggregation Database (gnomAD). This variant has been determined to be the result of a de novo mutation in one individual with features consistent with GABRA1-related epilepsy (Zhang, 2022). This amino acid position is highly conserved in available vertebrate species. This missense alteration is located in a region that has a low rate of benign missense variation (Lek, 2016; Firth, 2009). This alteration is predicted to be deleterious by in silico analysis. Based on the available evidence, this alteration is classified as pathogenic.

CENTOGENE GmbH and LLC - Guiding Precision Medicine
Classification: Uncertain significance for Developmental and epileptic encephalopathy, 19. Last evaluated: 2018-05-03. Review status: criteria provided, single submitter. Criteria: ACMG Guidelines, 2015. Collection method: clinical testing. Allele origin: germline. Affected: yes.

Literature cited by the submitters: PubMed 35937053 (cited by Labcorp Genetics (formerly Invitae), Labcorp and Ambry Genetics); PubMed 37606373 (cited by Labcorp Genetics (formerly Invitae), Labcorp).